The following is an entry in ClinVar:

ClinVar aggregate classification (germline): Benign/Likely benign. Review status: criteria provided, multiple submitters, no conflicts (2 of 4 stars). 5 submissions from 5 submitters: Benign (1); Likely benign (4). Last evaluated 2026-07-01.

Conditions:
Inborn genetic diseases. Identifiers: MedGen C0950123, MeSH D030342.

Allele frequency attached by ClinVar (database versions not stated): gnomAD 0.00098 and 0.00113; TOPMed 0.00113; ESP Exome Variant Server 0.00139; 1000 Genomes Project 30x 0.00141; 1000 Genomes Project 0.00180; gnomAD exomes 0.00225; ExAC 0.00241.
gnomAD v4.1: 2,627 of 1,614,190 alleles (0.16%); highest among the groups gnomAD compares: South Asian, 0.72%; 12 homozygotes.

Submissions (5):

CeGaT Center for Human Genetics Tuebingen
Classification: Likely benign. Last evaluated: 2026-07-01. Review status: criteria provided, single submitter. Criteria: CeGaT Center For Human Genetics Tuebingen Variant Classification Criteria Version 2. Collection method: clinical testing. Allele origin: germline. Affected: yes. Observed: 3 variant alleles.
Comment: MYO1E: BS2

Labcorp Genetics (formerly Invitae), Labcorp
Classification: Benign. Last evaluated: 2025-10-27. Review status: criteria provided, single submitter. Criteria: Invitae Variant Classification Sherloc (09022015). Collection method: clinical testing. Allele origin: germline.

Ambry Genetics
Classification: Likely benign for Inborn genetic diseases. Last evaluated: 2025-06-13. Review status: criteria provided, single submitter. Criteria: Ambry Variant Classification Scheme 2023. Collection method: clinical testing. Allele origin: germline.

GeneDx
Classification: Likely benign. Last evaluated: 2021-05-18. Review status: criteria provided, single submitter. Criteria: GeneDx Variant Classification Process June 2021. Collection method: clinical testing. Allele origin: germline. Affected: yes.
Comment: Reported in the heterozygous state in a patient with nephrotic syndrome, with the D185G variant on the same allele (in cis), but no variant was seen on the opposite MYO1E allele (in trans), and these variants did not segregate with the disorder in another affected sibling (Sanna-Cherchi et al., 2011); Reported in the heterozygous state with the D185G variant in a patient not reported to have renal disease, but it is not known whether the variants occurred on the same (in cis) or on different (in trans) chromosomes (Nozari et al., 2019); In silico analysis supports that this missense variant has a deleterious effect on protein structure/function; This variant is associated with the following publications: (PMID: 30507091, 21697813)

Eurofins Ntd Llc (ga)
Classification: Likely benign. Last evaluated: 2017-04-10. Review status: criteria provided, single submitter. Criteria: EGL Classification Definitions 2015. Collection method: clinical testing. Allele origin: germline. Observed: 2 variant alleles, 2 heterozygotes.

NM_004998.4(MYO1E):c.3146C>A (p.Pro1049His)

Genes: MYO1E (myosin IE; minus strand), LOC112272600 (Sharpr-MPRA regulatory region 4265; plus strand). Cytogenetic location: 15q22.2.
Variant type: single nucleotide variant.
Coding change: c.3146C>A on transcript NM_004998.4 (MANE Select); coding-DNA position 3146, C replaced by A.
Protein change: p.Pro1049His; replaces proline 1049 with histidine.
Molecular consequence: missense variant.
Genome position (GRCh38, 1-based): chr15:59,138,302, G>T on the plus strand (C>A on the coding strand, the complement: MYO1E is on the minus strand). VCF-style: chr15-59138302-G-T. GRCh37 (hg19) VCF-style: chr15-59430501-G-T.
Other names: c.3146C>A (NM_004998.2); short protein forms P1049H.
Identifiers: ClinVar variation 500039 (VCV000500039.39), dbSNP rs147579391, ClinGen allele CA7588998.